The following is an entry in ClinVar:

NM_000283.4(PDE6B):c.2352+13C>T

Gene: PDE6B (phosphodiesterase 6B; plus strand). Cytogenetic location: 4p16.3.
Variant type: single nucleotide variant.
Coding change: c.2352+13C>T on transcript NM_000283.4 (MANE Select); 13 bases into the intron after coding-DNA position 2352, C replaced by T.
Molecular consequence: intron variant.
Genome position (GRCh38, 1-based): chr4:666,627, C>T. VCF-style: chr4-666627-C-T. GRCh37 (hg19) VCF-style: chr4-660416-C-T.
Other names: c.2352+13C>T (NM_001145291.2); c.1515+13C>T (NM_001379246.1, NM_001379247.1, NM_001145292.2 and 1 more transcripts); c.1197+13C>T (NM_001350155.3).
Identifiers: ClinVar variation 349395 (VCV000349395.13), dbSNP rs374527841, ClinGen allele CA2795018.
Genomic context (GRCh38, chr4:666,627, plus strand): 5'-AAGCTGCAAGTGGGCTTCATCGACTTCGTGTGCACATTCGTGTACAAGGCGAGTGGTTCA[C>T]GGGTGTTCCGAGCTGACTGGGGCAGGGTGGCTGGGAGCAGGCAAGGGGGCGCGGGCTGGA-3'

ClinVar aggregate classification (germline): Conflicting classifications of pathogenicity. Review status: criteria provided, conflicting classifications (1 of 4 stars). 4 submissions from 3 submitters: Uncertain significance (1); Likely benign (3). Last evaluated 2025-05-12.

Conditions:
Retinitis pigmentosa (RP). Identifiers: Orphanet 791, MedGen C0035334, MeSH D012174, MONDO:0019200, OMIM 268000. Inheritance: Autosomal dominant, autosomal recessive and X linked inheritance.
Congenital stationary night blindness autosomal dominant 2. Also called: NIGHT BLINDNESS, CONGENITAL STATIONARY, RAMBUSCH TYPE. Identifiers: Orphanet 215, MedGen C1876182, MONDO:0008099, OMIM 163500.

Allele frequency attached by ClinVar (database versions not stated): gnomAD 0.00002; gnomAD exomes 0.00002; ExAC 0.00003; TOPMed 0.00003; ESP Exome Variant Server 0.00015.

Submissions (4):

Labcorp Genetics (formerly Invitae), Labcorp
Classification: Likely benign. Last evaluated: 2025-05-12. Review status: criteria provided, single submitter. Criteria: Invitae Variant Classification Sherloc (09022015). Collection method: clinical testing. Allele origin: germline.

Blueprint Genetics
Classification: Likely benign. Last evaluated: 2019-11-19. Review status: criteria provided, single submitter. Criteria: ACMG Guidelines, 2015. Collection method: clinical testing. Allele origin: germline.

Illumina Laboratory Services, Illumina
Classification: Likely benign for Congenital stationary night blindness autosomal dominant 2. Last evaluated: 2018-01-13. Review status: criteria provided, single submitter. Criteria: ICSL Variant Classification Criteria 13 December 2019. Collection method: clinical testing. Allele origin: germline.
Comment: This variant was observed in the ICSL laboratory as part of a predisposition screen in an ostensibly healthy population. It had not been previously curated by ICSL or reported in the Human Gene Mutation Database (HGMD: prior to June 1st, 2018), and was therefore a candidate for classification through an automated scoring system. Utilizing variant allele frequency, disease prevalence and penetrance estimates, and inheritance mode, an automated score was calculated to assess if this variant is too frequent to cause the disease. Based on the score and internal cut-off values, a variant classified as likely benign is not then subjected to further curation. The score for this variant resulted in a classification of likely benign for this disease.

Illumina Laboratory Services, Illumina
Classification: Uncertain significance for Retinitis pigmentosa. Last evaluated: 2018-01-13. Review status: criteria provided, single submitter. Criteria: ICSL Variant Classification Criteria 13 December 2019. Collection method: clinical testing. Allele origin: germline.